The following is an entry in ClinVar:

ClinVar aggregate classification (germline): Uncertain significance (1 of 4 stars; one submission).

gnomAD v4.1: 11 of 1,613,284 alleles (0.00068%); highest among the groups gnomAD compares: South Asian, 0.0011%; no homozygotes.

Submission:

Mayo Clinic Laboratories, Mayo Clinic
Classification: Uncertain significance. Last evaluated: 2025-10-06. Review status: criteria provided, single submitter. Criteria: ACMG Guidelines, 2015. Collection method: clinical testing. Allele origin: germline. Observed: 1 variant allele.
Comment: PM2_supporting

NM_004715.5(CTDP1):c.2875G>A (p.Asp959Asn)

Gene: CTDP1 (CTD phosphatase subunit 1; plus strand). Cytogenetic location: 18q23.
Variant type: single nucleotide variant.
Coding change: c.2875G>A on transcript NM_004715.5 (MANE Select); coding-DNA position 2875, G replaced by A.
Protein change: p.Asp959Asn; replaces aspartic acid 959 with asparagine.
Molecular consequence: missense variant. On other transcripts: 3 prime UTR variant (2).
Genome position (GRCh38, 1-based): chr18:79,753,779, G>A. VCF-style: chr18-79753779-G-A. GRCh37 (hg19) VCF-style: chr18-77513779-G-A.
Other names: p.Asp959Asn; c.2518G>A, p.Asp840Asn (NM_001202504.1); c.*104G>A (NM_001318511.2); c.*108G>A (NM_048368.4); short protein forms D840N, D959N.
Identifiers: ClinVar variation 4542276 (VCV004542276.1).